The following is an entry in ClinVar:

NM_006431.3(CCT2):c.449C>T (p.Ser150Phe)

Gene: CCT2 (chaperonin containing TCP1 subunit 2; plus strand). Cytogenetic location: 12q15.
Variant type: single nucleotide variant.
Coding change: c.449C>T on transcript NM_006431.3 (MANE Select); coding-DNA position 449, C replaced by T.
Protein change: p.Ser150Phe; replaces serine 150 with phenylalanine.
Molecular consequence: missense variant.
Genome position (GRCh38, 1-based): chr12:69,589,487, C>T. VCF-style: chr12-69589487-C-T. GRCh37 (hg19) VCF-style: chr12-69983267-C-T.
Other names: c.308C>T, p.Ser103Phe (NM_001198842.2); c.449C>T (NM_006431.2); short protein forms S103F, S150F.
Identifiers: ClinVar variation 1912960 (VCV001912960.6), dbSNP rs373614293, ClinGen allele CA239119046.

ClinVar aggregate classification (germline): Uncertain significance. Review status: criteria provided, multiple submitters, no conflicts (2 of 4 stars). 2 submissions from 2 submitters: Uncertain significance (2). Last evaluated 2025-03-07.

Allele frequency attached by ClinVar (database versions not stated): ESP Exome Variant Server 0.00008.
gnomAD v4.1: 2 of 1,613,058 alleles (0.00012%); highest among the groups gnomAD compares: Non-Finnish European, 0.00017%; no homozygotes.

Submissions (2):

Ambry Genetics
Classification: Uncertain significance. Last evaluated: 2025-03-07. Review status: criteria provided, single submitter. Criteria: Ambry Variant Classification Scheme 2023. Collection method: clinical testing. Allele origin: germline.

Labcorp Genetics (formerly Invitae), Labcorp
Classification: Uncertain significance. Last evaluated: 2024-12-18. Review status: criteria provided, single submitter. Criteria: Invitae Variant Classification Sherloc (09022015). Collection method: clinical testing. Allele origin: germline.
Comment: This sequence change replaces serine, which is neutral and polar, with phenylalanine, which is neutral and non-polar, at codon 150 of the CCT2 protein (p.Ser150Phe). This variant is not present in population databases (gnomAD no frequency). This variant has not been reported in the literature in individuals affected with CCT2-related conditions. ClinVar contains an entry for this variant (Variation ID: 1912960). An algorithm developed to predict the effect of missense changes on protein structure and function (PolyPhen-2) suggests that this variant is likely to be tolerated. In summary, the available evidence is currently insufficient to determine the role of this variant in disease. Therefore, it has been classified as a Variant of Uncertain Significance.